The following is an entry in ClinVar:

NM_017617.5(NOTCH1):c.2085C>T (p.Asp695=)

Gene: NOTCH1 (notch receptor 1; minus strand). Cytogenetic location: 9q34.3.
Variant type: single nucleotide variant.
Coding change: c.2085C>T on transcript NM_017617.5 (MANE Select); coding-DNA position 2085, C replaced by T.
Protein change: p.Asp695=; no amino-acid change (aspartic acid 695 retained).
Molecular consequence: synonymous variant.
Genome position (GRCh38, 1-based): chr9:136,514,632, G>A on the plus strand (C>T on the coding strand, the complement: NOTCH1 is on the minus strand). VCF-style: chr9-136514632-G-A. GRCh37 (hg19) VCF-style: chr9-139409084-G-A.
Other names: p.Asp695=; c.2085C>T, p.Asp695= (LRG_1122t1); c.2085C>T (NM_017617.4).
Identifiers: ClinVar variation 477888 (VCV000477888.20), dbSNP rs200573958, ClinGen allele CA5341488.

ClinVar aggregate classification (germline): Likely benign. Review status: criteria provided, multiple submitters, no conflicts (2 of 4 stars). 8 submissions from 7 submitters: Likely benign (7). 1 of the submissions does not count toward it. Last evaluated 2025-12-04.

Conditions:
Aortic valve disease 1 (AOVD1). Identifiers: MedGen C3887892, MONDO:0024523, OMIM 109730.
Adams-Oliver syndrome 5 (AOS5). Identifiers: Orphanet 974, MedGen C4014970, MONDO:0014459, OMIM 616028.
Familial thoracic aortic aneurysm and aortic dissection (TAAD). Also called: Thoracic aortic aneurysms and dissections. Identifiers: Orphanet 91387, MedGen C4707243, MONDO:0019625.
NOTCH1-related disorder. Also called: NOTCH1-related condition; NOTCH1-related disorders.
Connective tissue disorder. Also called: Connective tissue disease. Identifiers: MedGen C0009782, MONDO:0003900.

Allele frequency attached by ClinVar (database versions not stated): gnomAD exomes 0.00002 and 0.00004; ExAC 0.00003; TOPMed 0.00013; gnomAD 0.00014; 1000 Genomes Project 30x 0.00016; ESP Exome Variant Server 0.00016; 1000 Genomes Project 0.00020.
gnomAD v4.1: 72 of 1,611,780 alleles (0.0045%); highest among the groups gnomAD compares: African/African-American, 0.056%; no homozygotes.

Submissions (8):

Mayo Clinic Laboratories, Mayo Clinic
Classification: Likely benign. Last evaluated: 2025-12-04. Review status: criteria provided, single submitter. Criteria: ACMG Guidelines, 2015. Collection method: clinical testing. Allele origin: germline. Observed: 1 variant allele.
Comment: BP4, BP7

Labcorp Genetics (formerly Invitae), Labcorp
Classification: Likely benign for Adams-Oliver syndrome 5. Last evaluated: 2025-06-22. Review status: criteria provided, single submitter. Criteria: Invitae Variant Classification Sherloc (09022015). Collection method: clinical testing. Allele origin: germline.

Ambry Genetics
Classification: Likely benign for Familial thoracic aortic aneurysm and aortic dissection. Last evaluated: 2023-05-11. Review status: criteria provided, single submitter. Criteria: Ambry Variant Classification Scheme 2023. Collection method: clinical testing. Allele origin: germline.

Genome-Nilou Lab
Classification: Likely benign for Adams-Oliver syndrome 5. Last evaluated: 2022-03-15. Review status: criteria provided, single submitter. Criteria: ACMG Guidelines, 2015. Collection method: clinical testing. Allele origin: germline. Affected: no.

Genome-Nilou Lab
Classification: Likely benign for Aortic valve disease 1. Last evaluated: 2022-03-15. Review status: criteria provided, single submitter. Criteria: ACMG Guidelines, 2015. Collection method: clinical testing. Allele origin: germline. Affected: no.

GeneDx
Classification: Likely benign. Last evaluated: 2021-03-17. Review status: criteria provided, single submitter. Criteria: GeneDx Variant Classification Process June 2021. Collection method: clinical testing. Allele origin: germline. Affected: yes.

Center for Human Genetics, Inc
Classification: Likely benign for Connective tissue disorder. Last evaluated: 2016-11-01. Review status: criteria provided, single submitter. Criteria: ACMG Guidelines, 2015. Collection method: clinical testing. Allele origin: germline. Affected: yes.

PreventionGenetics, part of Exact Sciences
Classification: Likely benign for NOTCH1-related condition. Last evaluated: 2020-10-19. Review status: no assertion criteria provided. Collection method: clinical testing. Allele origin: germline. Not counted in ClinVar's aggregate classification.
Comment: This variant is classified as likely benign based on ACMG/AMP sequence variant interpretation guidelines (Richards et al. 2015 PMID: 25741868, with internal and published modifications).